The following is an entry in ClinVar:

NM_024675.4(PALB2):c.1026C>T (p.Asn342=)

Gene: PALB2 (partner and localizer of BRCA2; minus strand). Cytogenetic location: 16p12.2.
Variant type: single nucleotide variant.
Coding change: c.1026C>T on transcript NM_024675.4 (MANE Select); coding-DNA position 1026, C replaced by T.
Protein change: p.Asn342=; no amino-acid change (asparagine 342 retained).
Molecular consequence: synonymous variant. On other transcripts: intron variant (3).
Genome position (GRCh38, 1-based): chr16:23,635,520, G>A on the plus strand (C>T on the coding strand, the complement: PALB2 is on the minus strand). VCF-style: chr16-23635520-G-A. GRCh37 (hg19) VCF-style: chr16-23646841-G-A.
Other names: c.966C>T, p.Asn322= (NM_001407296.1); c.1026C>T, p.Asn342= (NM_001407297.1, NM_001407298.1, NM_001407299.1 and 3 more transcripts); c.141C>T, p.Asn47= (NM_001407304.1, NM_001407305.1, NM_001407306.1 and 5 more transcripts); c.48+5590C>T (NM_001407314.1); c.-104-5051C>T (NM_001407313.1, NM_001407312.1).
Identifiers: ClinVar variation 3903887 (VCV003903887.1).

ClinVar aggregate classification (germline): Benign (1 of 4 stars; one submission).

Conditions:
Familial cancer of breast. Also called: Hereditary breast cancer; hereditary breast carcinoma; BREAST CANCER, FAMILIAL. Identifiers: Orphanet 227535, MedGen C0346153, MONDO:0016419, OMIM 114480. Disease mechanism: loss of function.

gnomAD v4.1: 1 of 1,613,694 alleles (0.000062%); highest among the groups gnomAD compares: East Asian, 0.0022%; no homozygotes.

Submission:

Myriad Genetics, Inc.
Classification: Benign for Familial cancer of breast. Last evaluated: 2025-01-13. Review status: criteria provided, single submitter. Criteria: Myriad Autosomal Dominant, Autosomal Recessive and X-Linked Classification Criteria (2023). Collection method: clinical testing. Allele origin: unknown.
Comment: This variant is considered benign. This variant is a silent/synonymous amino acid change and it is not expected to impact splicing.